The following is an entry in ClinVar:

ClinVar aggregate classification (germline): Uncertain significance (1 of 4 stars; one submission).

Submission:

GeneDx
Classification: Uncertain significance. Last evaluated: 2019-05-20. Review status: criteria provided, single submitter. Criteria: GeneDx Variant Classification Process June 2021. Collection method: clinical testing. Allele origin: germline. Affected: yes.
Comment: In silico analysis, which includes protein predictors and evolutionary conservation, supports a deleterious effect; Has not been previously published as pathogenic or benign to our knowledge

NM_001099857.5(IKBKG):c.1007T>C (p.Leu336Pro)

Gene: IKBKG (inhibitor of nuclear factor kappa B kinase regulatory subunit gamma; plus strand). Cytogenetic location: Xq28.
Variant type: single nucleotide variant.
Coding change: c.1007T>C on transcript NM_001099857.5 (MANE Select); coding-DNA position 1007, T replaced by C.
Protein change: p.Leu336Pro; replaces leucine 336 with proline.
Molecular consequence: missense variant. On other transcripts: non-coding transcript variant (1).
Genome position (GRCh38, 1-based): chrX:154,563,653, T>C. VCF-style: chrX-154563653-T-C. GRCh37 (hg19) VCF-style: chrX-153791868-T-C.
Other names: c.1211T>C, p.Leu404Pro (NM_001099856.6); c.710T>C, p.Leu237Pro (NM_001145255.4); c.1007T>C, p.Leu336Pro (NM_001321396.3, NM_001377312.1, NM_003639.4); c.1004T>C, p.Leu335Pro (NM_001321397.3, NM_001377313.1); c.851T>C, p.Leu284Pro (NM_001377314.1); c.638T>C, p.Leu213Pro (NM_001377315.1); short protein forms L213P, L237P, L284P, L335P, L336P, L404P.
Identifiers: ClinVar variation 1306050 (VCV001306050.2), dbSNP rs2148385122, ClinGen allele CA415218106.